The following is an entry in ClinVar:

NM_001271.4(CHD2):c.1722A>G (p.Ile574Met)

Gene: CHD2 (chromodomain helicase DNA binding protein 2; plus strand). Cytogenetic location: 15q26.1.
Variant type: single nucleotide variant.
Coding change: c.1722A>G on transcript NM_001271.4 (MANE Select); coding-DNA position 1722, A replaced by G.
Protein change: p.Ile574Met; replaces isoleucine 574 with methionine.
Molecular consequence: missense variant.
Genome position (GRCh38, 1-based): chr15:92,955,425, A>G. VCF-style: chr15-92955425-A-G. GRCh37 (hg19) VCF-style: chr15-93498655-A-G.
Other names: short protein forms I574M.
Identifiers: ClinVar variation 3362167 (VCV003362167.1).

ClinVar aggregate classification (germline): Uncertain significance (1 of 4 stars; one submission).

Submission:

GeneDx
Classification: Uncertain significance. Last evaluated: 2023-05-31. Review status: criteria provided, single submitter. Criteria: GeneDx Variant Classification Process June 2021. Collection method: clinical testing. Allele origin: germline. Affected: yes.
Comment: Not observed at significant frequency in large population cohorts (gnomAD); In silico analysis supports that this missense variant has a deleterious effect on protein structure/function; Has not been previously published as pathogenic or benign to our knowledge